The following is an entry in ClinVar:

ClinVar aggregate classification (germline): Conflicting classifications of pathogenicity. Review status: criteria provided, conflicting classifications (1 of 4 stars). 2 submissions from 2 submitters: Likely pathogenic (1); Uncertain significance (1). Last evaluated 2021-08-15.

Conditions:
Inborn genetic diseases. Identifiers: MedGen C0950123, MeSH D030342.
Autosomal dominant Parkinson disease 8. Also called: LRRK2-Related Parkinson Disease; Parkinson disease 8; Parkinson disease 8, susceptibility to. Identifiers: Orphanet 411602, MedGen C1846862, MONDO:0011764, OMIM 607060.

Allele frequency attached by ClinVar (database versions not stated): gnomAD exomes 0.00001; TOPMed 0.00001.
gnomAD v4.1: 4 of 1,614,146 alleles (0.00025%); highest among the groups gnomAD compares: Admixed American, 0.005%; no homozygotes.

Submissions (2):

Ambry Genetics
Classification: Uncertain significance for Inborn genetic diseases. Last evaluated: 2021-08-15. Review status: criteria provided, single submitter. Criteria: Ambry Variant Classification Scheme 2023. Collection method: clinical testing. Allele origin: germline.
Comment: The p.E1948Q variant (also known as c.5842G>C), located in coding exon 40 of the LRRK2 gene, results from a G to C substitution at nucleotide position 5842. The glutamic acid at codon 1948 is replaced by glutamine, an amino acid with highly similar properties. This amino acid position is conserved. In addition, this alteration is predicted to be deleterious by in silico analysis. Since supporting evidence is limited at this time, the clinical significance of this alteration remains unclear.

Clinical Genetics Service, Universitary Hospital 12 de Octubre
Classification: Likely pathogenic for Autosomal dominant Parkinson disease 8. Review status: criteria provided, single submitter. Criteria: ACMG Guidelines, 2015. Collection method: clinical testing. Allele origin: germline. Affected: yes.

NM_198578.4(LRRK2):c.5842G>C (p.Glu1948Gln)

Gene: LRRK2 (leucine rich repeat kinase 2; plus strand). Cytogenetic location: 12q12.
Variant type: single nucleotide variant.
Coding change: c.5842G>C on transcript NM_198578.4 (MANE Select); coding-DNA position 5842, G replaced by C.
Protein change: p.Glu1948Gln; replaces glutamic acid 1948 with glutamine.
Molecular consequence: missense variant.
Genome position (GRCh38, 1-based): chr12:40,335,051, G>C. VCF-style: chr12-40335051-G-C. GRCh37 (hg19) VCF-style: chr12-40728853-G-C.
Other names: short protein forms E1948Q.
Identifiers: ClinVar variation 1750027 (VCV001750027.3), dbSNP rs1945827095, ClinGen allele CA384402122.